The following is an entry in ClinVar:

NM_000138.5(FBN1):c.989-32GT[7]

Gene: FBN1 (fibrillin 1; minus strand). Cytogenetic location: 15q21.1.
Variant type: Microsatellite.
Coding change: c.989-32GT[7] on transcript NM_000138.5 (MANE Select); seven copies in a row of the 2-base unit GT starting at c.989-32; the reference has six copies in a row; one copy, 2 bases duplicated.
Molecular consequence: intron variant.
Genome position (GRCh38, 1-based): chr15:48,520,838-48,520,839, AC duplicated on the plus strand (GT on the coding strand, the reverse complement: FBN1 is on the minus strand); duplicating any 2 consecutive bases within chr15:48,520,838-48,520,850 gives the same sequence; the position shown is the placement nearest the transcript's 3' end. VCF-style (leftmost placement, unchanged base first): chr15-48520837-T-TAC. GRCh37 (hg19) VCF-style: chr15-48813034-T-TAC.
Other names: c.989-22_989-21dupGT (NM_000138.4).
Identifiers: ClinVar variation 495663 (VCV000495663.2), dbSNP rs147092263, ClinGen allele CA7547941.

ClinVar aggregate classification (germline): Conflicting classifications of pathogenicity. Review status: criteria provided, conflicting classifications (1 of 4 stars). 2 submissions from 2 submitters: Uncertain significance (1); Likely benign (1). Last evaluated 2023-07-28.

Submissions (2):

Blueprint Genetics
Classification: Likely benign. Last evaluated: 2023-07-28. Review status: criteria provided, single submitter. Criteria: ACMG Guidelines, 2015. Collection method: clinical testing. Allele origin: germline.

Women's Health and Genetics/Laboratory Corporation of America, LabCorp
Classification: Uncertain significance. Last evaluated: 2017-06-02. Review status: criteria provided, single submitter. Criteria: LabCorp Variant Classification Summary - May 2015. Collection method: clinical testing. Allele origin: germline.
Comment: Variant summary: c.989-22_989-21dupGT in FBN1 gene is an intronic change that involves a duplication of 2 non-conserved nucleotides. 5/5 programs in Alamut predict that this variant does not affect the normal splicing pattern, although no RNA studies confirming these predictions were published at the time of evaluation. The variant is present in the control population dataset of ExAC at a frequency of 8.401e-06 (1/ 119036 chrs tested), which does not exceed the maximum expected allele frequency for a pathogenic variant of 0.00011. The variant of interest has not, to our knowledge, been reported in affected individuals or cited by reputable databases/clinical laboratories. Considering all, the variant was classified as VUS.